The following is an entry in ClinVar:

ClinVar aggregate classification (germline): Benign. Review status: criteria provided, multiple submitters, no conflicts (2 of 4 stars). 2 submissions from 2 submitters: Benign (2). Last evaluated 2026-08-12.

Conditions:
AMER1-related disorder. Also called: AMER1-related condition.

Allele frequency attached by ClinVar (database versions not stated): gnomAD 0.00004; TOPMed 0.00008; ExAC 0.00010; gnomAD exomes 0.00024.
gnomAD v4.1: 262 of 1,210,220 alleles (0.022%); highest among the groups gnomAD compares: Non-Finnish European, 0.028%; no homozygotes.

Submissions (2):

PreventionGenetics, part of Exact Sciences
Classification: Benign for AMER1-related condition. Last evaluated: 2026-08-12. Review status: criteria provided, single submitter. Criteria: ACMG Guidelines, 2015. Collection method: clinical testing. Allele origin: germline.
Comment: This variant is classified as benign based on ACMG/AMP sequence variant interpretation guidelines (Richards et al. 2015 PMID: 25741868, with internal and published modifications).

Labcorp Genetics (formerly Invitae), Labcorp
Classification: Benign. Last evaluated: 2026-01-15. Review status: criteria provided, single submitter. Criteria: Invitae Variant Classification Sherloc (09022015). Collection method: clinical testing. Allele origin: germline.

NM_152424.4(AMER1):c.3073C>G (p.His1025Asp)

Gene: AMER1 (APC membrane recruitment protein 1; minus strand). Cytogenetic location: Xq11.2.
Variant type: single nucleotide variant.
Coding change: c.3073C>G on transcript NM_152424.4 (MANE Select); coding-DNA position 3073, C replaced by G.
Protein change: p.His1025Asp; replaces histidine 1025 with aspartic acid.
Molecular consequence: missense variant.
Genome position (GRCh38, 1-based): chrX:64,190,214, G>C on the plus strand (C>G on the coding strand, the complement: AMER1 is on the minus strand). VCF-style: chrX-64190214-G-C. GRCh37 (hg19) VCF-style: chrX-63410094-G-C.
Other names: c.3073C>G (NM_152424.3); short protein forms H1025D.
Identifiers: ClinVar variation 1978883 (VCV001978883.5), dbSNP rs763827864, ClinGen allele CA10432110.